The following is an entry in ClinVar:

ClinVar aggregate classification (germline): Pathogenic (1 of 4 stars; one submission).

Conditions:
Tuberous sclerosis 2 (TSC2). Identifiers: Orphanet 805, MedGen C1860707, MONDO:0013199, OMIM 613254.

Submission:

Labcorp Genetics (formerly Invitae), Labcorp
Classification: Pathogenic for Tuberous sclerosis 2. Last evaluated: 2022-05-24. Review status: criteria provided, single submitter. Criteria: Invitae Variant Classification Sherloc (09022015). Collection method: clinical testing. Allele origin: germline.
Comment: For these reasons, this variant has been classified as Pathogenic. Algorithms developed to predict the effect of sequence changes on RNA splicing suggest that this variant may create or strengthen a splice site. This variant has not been reported in the literature in individuals affected with TSC2-related conditions. This variant is not present in population databases (gnomAD no frequency). This sequence change creates a premature translational stop signal (p.Glu332*) in the TSC2 gene. It is expected to result in an absent or disrupted protein product. Loss-of-function variants in TSC2 are known to be pathogenic (PMID: 10205261, 17304050).

Literature cited by the submitters: PubMed 10205261; PubMed 17304050.

NM_000548.5(TSC2):c.994G>T (p.Glu332Ter)

Gene: TSC2 (TSC complex subunit 2; plus strand). Cytogenetic location: 16p13.3.
Variant type: single nucleotide variant.
Coding change: c.994G>T on transcript NM_000548.5 (MANE Select); coding-DNA position 994, G replaced by T.
Protein change: p.Glu332Ter; replaces glutamic acid 332 with a stop codon.
Molecular consequence: nonsense.
Genome position (GRCh38, 1-based): chr16:2,060,688, G>T. VCF-style: chr16-2060688-G-T. GRCh37 (hg19) VCF-style: chr16-2110689-G-T.
Other names: c.994G>T, p.Glu332Ter (NM_001077183.3, NM_001114382.3, NM_001363528.2 and 6 more transcripts); c.883G>T, p.Glu295Ter (NM_001318827.2, NM_001406670.1, NM_001406678.1); c.847G>T, p.Glu283Ter (NM_001318829.2, NM_001406675.1, NM_001406676.1 and 1 more transcripts); c.394G>T, p.Glu132Ter (NM_001318831.2, NM_001406680.1, NM_001406682.1 and 6 more transcripts); c.1027G>T, p.Glu343Ter (NM_001318832.2); c.532G>T, p.Glu178Ter (NM_001406681.1); c.-438G>T (NM_001406689.1, NM_001406690.1, NM_001406691.1 and 4 more transcripts); c.-319G>T (NM_001406694.1, NM_001406695.1); and 4 more; short protein forms E132*, E313*, E332*, E178*, E283*, E328*, E295*, E343*.
Identifiers: ClinVar variation 1998350 (VCV001998350.4), dbSNP rs911600402, ClinGen allele CA394317292.
Genomic context (GRCh38, chr16:2,060,688, plus strand): 5'-AAGCAGCTCTGACCCTGTGTGCTGGCCGGGCTCGTGTTCCAGGCCATGGCATGTCCGAAC[G>T]AGGTGGTGTCCTATGAGATCGTCCTGTCCATCACCAGGCTCATCAAGAAGTATAGGAAGG-3'